The following is an entry in ClinVar:

ClinVar aggregate classification (germline): Uncertain significance (1 of 4 stars; one submission).

Conditions:
Cardiac arrhythmia. Also called: Arrhythmia; Cardiac rhythm disease. Identifiers: MedGen C0003811, MONDO:0007263, HP:0011675.

Allele frequency attached by ClinVar (database versions not stated): gnomAD exomes 0.00003 and 0.00006; gnomAD 0.00005; TOPMed 0.00003; ExAC 0.00007.
gnomAD v4.1: 50 of 1,612,816 alleles (0.0031%); highest among the groups gnomAD compares: South Asian, 0.0055%; no homozygotes.

Submissions (2):

Labcorp Genetics (formerly Invitae), Labcorp
Classification: Uncertain significance for Cardiac arrhythmia. Last evaluated: 2024-07-17. Review status: criteria provided, single submitter. Criteria: Invitae Variant Classification Sherloc (09022015). Collection method: clinical testing. Allele origin: germline.
Comment: This sequence change replaces asparagine, which is neutral and polar, with serine, which is neutral and polar, at codon 143 of the RANGRF protein (p.Asn143Ser). This variant is present in population databases (rs200615633, gnomAD 0.01%). This variant has not been reported in the literature in individuals affected with RANGRF-related conditions. ClinVar contains an entry for this variant (Variation ID: 1015849). An algorithm developed to predict the effect of missense changes on protein structure and function outputs the following: PolyPhen-2: "Benign". The serine amino acid residue is found in multiple mammalian species, which suggests that this missense change does not adversely affect protein function. Algorithms developed to predict the effect of sequence changes on RNA splicing suggest that this variant may disrupt the consensus splice site. In summary, the available evidence is currently insufficient to determine the role of this variant in disease. Therefore, it has been classified as a Variant of Uncertain Significance.

Dr. Peter K. Rogan Lab, Western University
No classification provided (evidence only). Condition: Glioma susceptibility 1. Review status: no classification provided. Collection method: in vitro. Allele origin: not applicable. Functional consequence: retained intron. Not counted in ClinVar's aggregate classification.

NM_016492.5(RANGRF):c.428A>G (p.Asn143Ser)

Genes: RANGRF (RAN guanine nucleotide release factor; plus strand), SLC25A35 (solute carrier family 25 member 35; minus strand). Cytogenetic location: 17p13.1.
Variant type: single nucleotide variant.
Coding change: c.428A>G on transcript NM_016492.5 (MANE Select); coding-DNA position 428, A replaced by G.
Protein change: p.Asn143Ser; replaces asparagine 143 with serine.
Molecular consequence: missense variant. On other transcripts: 3 prime UTR variant (4), non-coding transcript variant (2), intron variant (1).
Genome position (GRCh38, 1-based): chr17:8,289,579, A>G. VCF-style: chr17-8289579-A-G. GRCh37 (hg19) VCF-style: chr17-8192897-A-G.
Other names: c.428A>G, p.Asn143Ser (NM_001177801.2); c.*18A>G (NM_001177802.2); c.*37T>C (NM_001320871.2, NM_001320872.2, NM_201520.3); c.351+165A>G (NM_001330127.2); short protein forms N143S.
Identifiers: ClinVar variation 1015849 (VCV001015849.9), dbSNP rs200615633, ClinGen allele CA8374413.
Genomic context (GRCh38, chr17:8,289,579, plus strand): 5'-CACTTCATCAGGCCTTGCTGAGGCTGCCCCAGTACCAGACTGATCTCTTGCTTACCTTCA[A>G]TCAGCCCCCGTAAGGAGGAAGGAACGGGCGGGTATCTCATGACTGGGTTCCCAGGAGAAT-3'
Protein context (NP_057576.2, residues 133-153): QYQTDLLLTF[Asn143Ser]QPPPDNRSSL